The following is an entry in ClinVar:

ClinVar aggregate classification (germline): Uncertain significance (1 of 4 stars; one submission).

Allele frequency attached by ClinVar (database versions not stated): gnomAD exomes 0.00001; TOPMed 0.00001.
gnomAD v4.1: 5 of 1,542,050 alleles (0.00032%); highest among the groups gnomAD compares: Admixed American, 0.0039%; no homozygotes.

Submission:

Labcorp Genetics (formerly Invitae), Labcorp
Classification: Uncertain significance. Last evaluated: 2024-07-30. Review status: criteria provided, single submitter. Criteria: Invitae Variant Classification Sherloc (09022015). Collection method: clinical testing. Allele origin: germline.
Comment: This sequence change replaces alanine, which is neutral and non-polar, with threonine, which is neutral and polar, at codon 78 of the ARID1B protein (p.Ala78Thr). The frequency data for this variant in the population databases is considered unreliable, as metrics indicate poor data quality at this position in the gnomAD database. This variant has not been reported in the literature in individuals affected with ARID1B-related conditions. ClinVar contains an entry for this variant (Variation ID: 1415954). Experimental studies and prediction algorithms are not available or were not evaluated, and the functional significance of this variant is currently unknown. In summary, the available evidence is currently insufficient to determine the role of this variant in disease. Therefore, it has been classified as a Variant of Uncertain Significance.

NM_001374828.1(ARID1B):c.481G>A (p.Ala161Thr)

Genes: ARID1B (AT-rich interaction domain 1B; plus strand), LOC115308161 (uncharacterized LOC115308161; minus strand). Cytogenetic location: 6q25.3.
Variant type: single nucleotide variant.
Coding change: c.481G>A on transcript NM_001374828.1 (MANE Select); coding-DNA position 481, G replaced by A.
Protein change: p.Ala161Thr; replaces alanine 161 with threonine.
Molecular consequence: missense variant.
Genome position (GRCh38, 1-based): chr6:156,778,161, G>A. VCF-style: chr6-156778161-G-A. GRCh37 (hg19) VCF-style: chr6-157099295-G-A.
Other names: c.481G>A, p.Ala161Thr (NM_001371656.1, NM_001374820.1, NM_017519.3); short protein forms A161T.
Identifiers: ClinVar variation 1415954 (VCV001415954.6), dbSNP rs1201726156, ClinGen allele CA366381395.